The following is an entry in ClinVar:

NM_001127208.3(TET2):c.4603C>T (p.Pro1535Ser)

Genes: TET2 (tet methylcytosine dioxygenase 2; plus strand), TET2-AS1 (TET2 antisense RNA 1; minus strand). Cytogenetic location: 4q24.
Variant type: single nucleotide variant.
Coding change: c.4603C>T on transcript NM_001127208.3 (MANE Select); coding-DNA position 4603, C replaced by T.
Protein change: p.Pro1535Ser; replaces proline 1535 with serine.
Molecular consequence: missense variant.
Genome position (GRCh38, 1-based): chr4:105,275,113, C>T. VCF-style: chr4-105275113-C-T. GRCh37 (hg19) VCF-style: chr4-106196270-C-T.
Other names: short protein forms P1535S.
Identifiers: ClinVar variation 3364379 (VCV003364379.2).

ClinVar aggregate classification (germline): Uncertain significance. Review status: criteria provided, multiple submitters, no conflicts (2 of 4 stars). 2 submissions from 2 submitters: Uncertain significance (2). Last evaluated 2025-11-26.

gnomAD v4.1: 12 of 1,551,182 alleles (0.00077%); highest among the groups gnomAD compares: African/African-American, 0.015%; no homozygotes.

Submissions (2):

Labcorp Genetics (formerly Invitae), Labcorp
Classification: Uncertain significance. Last evaluated: 2025-11-26. Review status: criteria provided, single submitter. Criteria: Invitae Variant Classification Sherloc (09022015). Collection method: clinical testing. Allele origin: germline.
Comment: This sequence change replaces proline, which is neutral and non-polar, with serine, which is neutral and polar, at codon 1535 of the TET2 protein (p.Pro1535Ser). This variant is present in population databases (no rsID available, gnomAD 0.05%). This variant has not been reported in the literature in individuals affected with TET2-related conditions. ClinVar contains an entry for this variant (Variation ID: 3364379). An algorithm developed to predict the effect of missense changes on protein structure and function (PolyPhen-2) suggests that this variant is likely to be tolerated. In summary, the available evidence is currently insufficient to determine the role of this variant in disease. Therefore, it has been classified as a Variant of Uncertain Significance.

GeneDx
Classification: Uncertain significance. Last evaluated: 2023-11-15. Review status: criteria provided, single submitter. Criteria: GeneDx Variant Classification Process June 2021. Collection method: clinical testing. Allele origin: germline. Affected: yes.
Comment: In silico analysis supports that this missense variant does not alter protein structure/function; Has not been previously published as pathogenic or benign to our knowledge